The following is an entry in ClinVar:

NM_001267550.2(TTN):c.40297+1G>A

Gene: TTN (titin; minus strand). Cytogenetic location: 2q31.2.
Variant type: single nucleotide variant.
Coding change: c.40297+1G>A on transcript NM_001267550.2 (MANE Select); the canonical splice donor site of the intron after coding-DNA position 40297, G replaced by A.
Molecular consequence: splice donor variant. On other transcripts: intron variant (5).
Genome position (GRCh38, 1-based): chr2:178,646,484, C>T on the plus strand (G>A on the coding strand, the complement: TTN is on the minus strand). VCF-style: chr2-178646484-C-T. GRCh37 (hg19) VCF-style: chr2-179511211-C-T.
Other names: c.13283-4167G>A (NM_003319.4); c.13859-4167G>A (NM_133437.4); c.13658-4167G>A (NM_133432.3); c.32594-454G>A (NM_133378.4); c.35375-454G>A (NM_001256850.1).
Identifiers: ClinVar variation 2926631 (VCV002926631.3), dbSNP rs568585511, ClinGen allele CA349440061.

ClinVar aggregate classification (germline): Likely pathogenic (1 of 4 stars; one submission).

Conditions:
Dilated cardiomyopathy 1G (CMD1G). Identifiers: Orphanet 154, MedGen C1858763, MONDO:0011400, OMIM 604145.
Autosomal recessive limb-girdle muscular dystrophy type 2J (LGMDR10). Also called: Limb-girdle muscular dystrophy, type 2J; MUSCULAR DYSTROPHY, LIMB-GIRDLE, AUTOSOMAL RECESSIVE 10. Identifiers: Orphanet 140922, MedGen C1837342, MONDO:0012127, OMIM 608807.

Allele frequency attached by ClinVar (database versions not stated): TOPMed below 0.00001.
gnomAD v4.1: 7 of 1,542,398 alleles (0.00045%); highest among the groups gnomAD compares: Non-Finnish European, 0.00061%; no homozygotes.

Submission:

Labcorp Genetics (formerly Invitae), Labcorp
Classification: Likely pathogenic for Dilated cardiomyopathy 1G; Autosomal recessive limb-girdle muscular dystrophy type 2J. Last evaluated: 2024-07-10. Review status: criteria provided, single submitter. Criteria: Invitae Variant Classification Sherloc (09022015). Collection method: clinical testing. Allele origin: germline.
Comment: This sequence change affects a donor splice site in intron 216 of the TTN gene. It is expected to disrupt RNA splicing and likely results in a truncated or disrupted TTN protein. This variant is present in population databases (no rsID available, gnomAD 0.002%). This variant has not been reported in the literature in individuals affected with TTN-related conditions. Algorithms developed to predict the effect of sequence changes on RNA splicing suggest that this variant may disrupt the consensus splice site. This variant is located in the I band of TTN (PMID: 25589632). Truncating variants in this region have been reported in individuals affected with autosomal recessive centronuclear myopathy (PMID: 23975875, Invitae internal data). Truncating variants in this region have also been identified in individuals affected with autosomal dominant dilated cardiomyopathy and/or cardio-related conditions (PMID: 27869827, 32964742, Invitae internal data). In summary, the currently available evidence indicates that the variant is pathogenic, but additional data are needed to prove that conclusively. Therefore, this variant has been classified as Likely Pathogenic.

Literature cited by the submitters: PubMed 25589632; PubMed 23975875; PubMed 27869827; PubMed 32964742.